The following is an entry in ClinVar:

NM_000245.4(MET):c.377A>G (p.Tyr126Cys)

Gene: MET (MET proto-oncogene, receptor tyrosine kinase; plus strand). Cytogenetic location: 7q31.2.
Variant type: single nucleotide variant.
Coding change: c.377A>G on transcript NM_000245.4 (MANE Select); coding-DNA position 377, A replaced by G.
Protein change: p.Tyr126Cys; replaces tyrosine 126 with cysteine.
Molecular consequence: missense variant. On other transcripts: intron variant (1).
Genome position (GRCh38, 1-based): chr7:116,699,461, A>G. VCF-style: chr7-116699461-A-G. GRCh37 (hg19) VCF-style: chr7-116339515-A-G.
Other names: c.377A>G, p.Tyr126Cys (NM_001127500.3, NM_001324401.3); c.-91+26884A>G (NM_001324402.2); short protein forms Y126C.
Identifiers: ClinVar variation 1424641 (VCV001424641.7), dbSNP rs542267057, ClinGen allele CA4447984.

ClinVar aggregate classification (germline): Uncertain significance. Review status: criteria provided, multiple submitters, no conflicts (2 of 4 stars). 3 submissions from 3 submitters: Uncertain significance (3). Last evaluated 2025-06-04.

Conditions:
Renal cell carcinoma. Identifiers: Orphanet 217071, MedGen C0007134, MeSH D002292, MONDO:0005086, HP:0005584.
Hereditary cancer-predisposing syndrome. Also called: Tumor predisposition; Hereditary neoplastic syndrome; Neoplastic Syndromes, Hereditary; Hereditary Cancer Syndrome. Identifiers: Orphanet 140162, MedGen C0027672, MeSH D009386, MONDO:0015356.

Allele frequency attached by ClinVar (database versions not stated): gnomAD exomes below 0.00001; ExAC 0.00001; gnomAD 0.00001; TOPMed 0.00001; 1000 Genomes Project 0.00020; 1000 Genomes Project 30x 0.00031.
gnomAD v4.1: 3 of 1,614,030 alleles (0.00019%); highest among the groups gnomAD compares: African/African-American, 0.0027%; no homozygotes.

Submissions (3):

Labcorp Genetics (formerly Invitae), Labcorp
Classification: Uncertain significance for Renal cell carcinoma. Last evaluated: 2025-06-04. Review status: criteria provided, single submitter. Criteria: Invitae Variant Classification Sherloc (09022015). Collection method: clinical testing. Allele origin: germline.
Comment: This sequence change replaces tyrosine, which is neutral and polar, with cysteine, which is neutral and slightly polar, at codon 126 of the MET protein (p.Tyr126Cys). This variant is present in population databases (rs542267057, gnomAD 0.007%). This variant has not been reported in the literature in individuals affected with MET-related conditions. ClinVar contains an entry for this variant (Variation ID: 1424641). Invitae Evidence Modeling of protein sequence and biophysical properties (such as structural, functional, and spatial information, amino acid conservation, physicochemical variation, residue mobility, and thermodynamic stability) indicates that this missense variant is expected to disrupt MET protein function with a positive predictive value of 80%. In summary, the available evidence is currently insufficient to determine the role of this variant in disease. Therefore, it has been classified as a Variant of Uncertain Significance.

Ambry Genetics
Classification: Uncertain significance for Hereditary cancer-predisposing syndrome. Last evaluated: 2023-11-16. Review status: criteria provided, single submitter. Criteria: Ambry Variant Classification Scheme 2023. Collection method: clinical testing. Allele origin: germline.
Comment: The p.Y126C variant (also known as c.377A>G), located in coding exon 1 of the MET gene, results from an A to G substitution at nucleotide position 377. The tyrosine at codon 126 is replaced by cysteine, an amino acid with highly dissimilar properties. This amino acid position is highly conserved in available vertebrate species. In addition, the in silico prediction for this alteration is inconclusive. Since supporting evidence is limited at this time, the clinical significance of this alteration remains unclear.

Sema4
Classification: Uncertain significance for Hereditary cancer-predisposing syndrome. Last evaluated: 2021-09-10. Review status: criteria provided, single submitter. Criteria: Sema4 Curation Guidelines. Collection method: curation. Allele origin: germline.
Comment: The MET c.377A>G (p.Y126C) variant has not been reported in the literature to our knowledge. It was observed in 1/15484 chromosomes of the African/African American subpopulation in the Genome Aggregation Database (PMID: 32461654). The variant has not been reported in ClinVar. Functional studies have not been performed, and in silico predictions of the variant's effect on protein function are inconclusive. The evidence is insufficient to meet ACMG/AMP criteria for classifying the variant as benign or pathogenic. Thus, the clinical significance of this variant is currently uncertain.